The following is an entry in ClinVar:

ClinVar aggregate classification (germline): Uncertain significance. Review status: criteria provided, multiple submitters, no conflicts (2 of 4 stars). 3 submissions from 3 submitters: Uncertain significance (3). Last evaluated 2026-05-26.

Conditions:
Cardiovascular phenotype. Identifiers: MedGen CN230736.
Arrhythmogenic right ventricular dysplasia 9 (ARVD9). Also called: Arrhythmogenic Right Ventricular Dysplasia/Cardiomyopathy 9; ARRHYTHMOGENIC RIGHT VENTRICULAR DYSPLASIA, FAMILIAL, 9. Identifiers: MedGen C1836906, MONDO:0012180, OMIM 609040.

Allele frequency attached by ClinVar (database versions not stated): gnomAD 0.00001; TOPMed 0.00001; gnomAD exomes 0.00002 and below 0.00001; ExAC 0.00002.
gnomAD v4.1: 7 of 1,611,584 alleles (0.00043%); highest among the groups gnomAD compares: East Asian, 0.0022%; no homozygotes.

Submissions (3):

Ambry Genetics
Classification: Uncertain significance for Cardiovascular phenotype. Last evaluated: 2026-05-26. Review status: criteria provided, single submitter. Criteria: Ambry Variant Classification Scheme 2023. Collection method: clinical testing. Allele origin: germline.
Comment: The p.R185Q variant (also known as c.554G>A), located in coding exon 3 of the PKP2 gene, results from a G to A substitution at nucleotide position 554. The arginine at codon 185 is replaced by glutamine, an amino acid with highly similar properties. This amino acid position is highly conserved in available vertebrate species. In addition, the in silico prediction for this alteration is inconclusive. Based on the available evidence, the clinical significance of this variant remains unclear.

Labcorp Genetics (formerly Invitae), Labcorp
Classification: Uncertain significance for Arrhythmogenic right ventricular dysplasia 9. Last evaluated: 2025-12-22. Review status: criteria provided, single submitter. Criteria: Invitae Variant Classification Sherloc (09022015). Collection method: clinical testing. Allele origin: germline.
Comment: This sequence change replaces arginine, which is basic and polar, with glutamine, which is neutral and polar, at codon 185 of the PKP2 protein (p.Arg185Gln). This variant is present in population databases (rs765477952, gnomAD 0.005%). This variant has not been reported in the literature in individuals affected with PKP2-related conditions. ClinVar contains an entry for this variant (Variation ID: 566629). An algorithm developed to predict the effect of missense changes on protein structure and function (PolyPhen-2) suggests that this variant is likely to be tolerated. In summary, the available evidence is currently insufficient to determine the role of this variant in disease. Therefore, it has been classified as a Variant of Uncertain Significance.

Fulgent Genetics
Classification: Uncertain significance for Arrhythmogenic right ventricular dysplasia 9. Last evaluated: 2021-09-21. Review status: criteria provided, single submitter. Criteria: ACMG Guidelines, 2015. Collection method: clinical testing. Allele origin: unknown.

NM_001005242.3(PKP2):c.554G>A (p.Arg185Gln)

Gene: PKP2 (plakophilin 2; minus strand). Cytogenetic location: 12p11.21.
Variant type: single nucleotide variant.
Coding change: c.554G>A on transcript NM_001005242.3 (MANE Select); coding-DNA position 554, G replaced by A.
Protein change: p.Arg185Gln; replaces arginine 185 with glutamine.
Molecular consequence: missense variant.
Genome position (GRCh38, 1-based): chr12:32,878,326, C>T on the plus strand (G>A on the coding strand, the complement: PKP2 is on the minus strand). VCF-style: chr12-32878326-C-T. GRCh37 (hg19) VCF-style: chr12-33031260-C-T.
Other names: c.554G>A, p.Arg185Gln (NM_004572.4); short protein forms R185Q.
Identifiers: ClinVar variation 566629 (VCV000566629.10), dbSNP rs765477952, ClinGen allele CA037893.